The following is an entry in ClinVar:

ClinVar aggregate classification (germline): Conflicting classifications of pathogenicity. Review status: criteria provided, conflicting classifications (1 of 4 stars). 2 submissions from 2 submitters: Uncertain significance (1); Likely benign (1). Last evaluated 2025-12-05.

Conditions:
Epidermolysis bullosa simplex 5B, with muscular dystrophy (EBS5B). Also called: Epidermolysis bullosa simplex with muscular dystrophy; EPIDERMOLYSIS BULLOSA SIMPLEX AND LIMB-GIRDLE MUSCULAR DYSTROPHY. Identifiers: Orphanet 257, MedGen C2931072, MONDO:0009181, OMIM 226670.
Epidermolysis bullosa simplex, Ogna type (EBS5A). Also called: Pidermolysis bullosa simplex 5A, Ogna type; EPIDERMOLYSIS BULLOSA SIMPLEX 5A, OGNA TYPE. Identifiers: Orphanet 79401, MedGen C0432317, MONDO:0007555, OMIM 131950.
Epidermolysis bullosa simplex 5C, with pyloric atresia (EBS5C). Also called: PLEC-Related Epidermolysis Bullosa with Pyloric Atresia; Epidermolysis bullosa simplex with pyloric atresia; PLEC1-Related Epidermolysis Bullosa with Pyloric Atresia. Identifiers: Orphanet 158684, MedGen C2677349, MONDO:0012807, OMIM 612138.
Autosomal recessive limb-girdle muscular dystrophy type 2Q (LGMDR17). Also called: MUSCULAR DYSTROPHY, LIMB-GIRDLE, AUTOSOMAL RECESSIVE 17. Identifiers: Orphanet 254361, MedGen C3150989, MONDO:0013390, OMIM 613723.
Epidermolysis bullosa simplex with nail dystrophy (EBS5D). Identifiers: MedGen C4225309, MONDO:0014661, OMIM 616487.

Allele frequency attached by ClinVar (database versions not stated): gnomAD below 0.00001 and 0.00001; TOPMed 0.00002; gnomAD exomes 0.00005 and 0.00011; ExAC 0.00037.
gnomAD v4.1: 79 of 1,546,964 alleles (0.0051%); highest among the groups gnomAD compares: South Asian, 0.051%; 1 homozygote.

Submissions (2):

Labcorp Genetics (formerly Invitae), Labcorp
Classification: Uncertain significance for Autosomal recessive limb-girdle muscular dystrophy type 2Q; Epidermolysis bullosa simplex, Ogna type; Epidermolysis bullosa simplex with nail dystrophy; Epidermolysis bullosa simplex 5C, with pyloric atresia; Epidermolysis bullosa simplex 5B, with muscular dystrophy. Last evaluated: 2025-12-05. Review status: criteria provided, single submitter. Criteria: Invitae Variant Classification Sherloc (09022015). Collection method: clinical testing. Allele origin: germline.
Comment: This sequence change replaces arginine, which is basic and polar, with glutamine, which is neutral and polar, at codon 2572 of the PLEC protein (p.Arg2572Gln). This variant is present in population databases (rs782020198, gnomAD 0.06%). This variant has not been reported in the literature in individuals affected with PLEC-related conditions. ClinVar contains an entry for this variant (Variation ID: 1001872). Invitae Evidence Modeling of protein sequence and biophysical properties (such as structural, functional, and spatial information, amino acid conservation, physicochemical variation, residue mobility, and thermodynamic stability) indicates that this missense variant is expected to disrupt PLEC protein function with a positive predictive value of 80%. In summary, the available evidence is currently insufficient to determine the role of this variant in disease. Therefore, it has been classified as a Variant of Uncertain Significance.

Revvity Omics, Revvity
Classification: Likely benign. Last evaluated: 2023-04-07. Review status: criteria provided, single submitter. Criteria: ACMG Guidelines, 2015. Collection method: clinical testing. Allele origin: germline.

NM_201384.3(PLEC):c.7634G>A (p.Arg2545Gln)

Gene: PLEC (plectin; minus strand). Cytogenetic location: 8q24.3.
Variant type: single nucleotide variant.
Coding change: c.7634G>A on transcript NM_201384.3 (MANE Select); coding-DNA position 7634, G replaced by A.
Protein change: p.Arg2545Gln; replaces arginine 2545 with glutamine.
Molecular consequence: missense variant.
Genome position (GRCh38, 1-based): chr8:143,922,187, C>T on the plus strand (G>A on the coding strand, the complement: PLEC is on the minus strand). VCF-style: chr8-143922187-C-T. GRCh37 (hg19) VCF-style: chr8-144996355-C-T.
Other names: c.7646G>A, p.Arg2549Gln (NM_201383.3); c.7715G>A, p.Arg2572Gln (NM_000445.5); c.7592G>A, p.Arg2531Gln (NM_201378.4); c.7568G>A, p.Arg2523Gln (NM_201379.3); c.8045G>A, p.Arg2682Gln (NM_201380.4); c.7538G>A, p.Arg2513Gln (NM_201381.3); c.7634G>A, p.Arg2545Gln (NM_201382.4); short protein forms R2513Q, R2523Q, R2531Q, R2545Q, R2549Q, R2572Q, R2682Q.
Identifiers: ClinVar variation 1001872 (VCV001001872.8), dbSNP rs782020198, ClinGen allele CA4925560.